The following is an entry in ClinVar:

NM_031885.5(BBS2):c.1046T>G (p.Leu349Trp)

Gene: BBS2 (Bardet-Biedl syndrome 2; minus strand). Cytogenetic location: 16q13.
Variant type: single nucleotide variant.
Coding change: c.1046T>G on transcript NM_031885.5 (MANE Select); coding-DNA position 1046, T replaced by G.
Protein change: p.Leu349Trp; replaces leucine 349 with tryptophan.
Molecular consequence: missense variant. On other transcripts: non-coding transcript variant (5).
Genome position (GRCh38, 1-based): chr16:56,502,351, A>C on the plus strand (T>G on the coding strand, the complement: BBS2 is on the minus strand). VCF-style: chr16-56502351-A-C. GRCh37 (hg19) VCF-style: chr16-56536263-A-C.
Other names: c.1046T>G, p.Leu349Trp (NM_001377456.1); short protein forms L349W.
Identifiers: ClinVar variation 550007 (VCV000550007.6), dbSNP rs752280639, ClinGen allele CA8065845.

ClinVar aggregate classification (germline): Uncertain significance. Review status: criteria provided, multiple submitters, no conflicts (2 of 4 stars). 3 submissions from 3 submitters: Uncertain significance (2). 1 of the submissions does not count toward it. Last evaluated 2026-09-25.

Conditions:
Retinitis pigmentosa 74 (RP74). Identifiers: Orphanet 791, MedGen C4225281, MONDO:0014692, OMIM 616562.
Bardet-Biedl syndrome 2 (BBS2). Identifiers: Orphanet 110, MedGen C2936863, MONDO:0014432, OMIM 615981.
BBS2-related disorder. Also called: BBS2-related disorders; BBS2-related condition. Identifiers: MedGen CN239228.

Allele frequency attached by ClinVar (database versions not stated): ExAC 0.00002; gnomAD exomes 0.00002 and 0.00007; TOPMed 0.00003; gnomAD 0.00004 and 0.00005.
gnomAD v4.1: 106 of 1,614,082 alleles (0.0066%); highest among the groups gnomAD compares: Non-Finnish European, 0.0088%; no homozygotes.

Submissions (3):

PreventionGenetics, part of Exact Sciences
Classification: Uncertain significance for BBS2-related condition. Last evaluated: 2026-09-25. Review status: criteria provided, single submitter. Criteria: ACMG Guidelines, 2015. Collection method: clinical testing. Allele origin: germline.
Comment: The BBS2 c.1046T>G variant is predicted to result in the amino acid substitution p.Leu349Trp. This variant has been reported in the heterozygous state in individuals with Bardet-Biedl syndrome; however, these individuals were also homozygous for a pathogenic variant in BBS1 (Beales et al. 2003. PubMed ID: 12677556; Badano et al. 2003. PubMed ID: 12837689). Functional studies in zebrafish suggest this variant may not impact protein function (Table S4/S5, Zaghloul et al. 2010. PubMed ID: 20498079). This variant is reported in 0.0039% of alleles in individuals of European (Non-Finnish) descent in gnomAD. At this time, the clinical significance of this variant is uncertain due to the absence of conclusive functional and genetic evidence.

Fulgent Genetics
Classification: Uncertain significance for Bardet-Biedl syndrome 2; Retinitis pigmentosa 74. Last evaluated: 2022-04-28. Review status: criteria provided, single submitter. Criteria: ACMG Guidelines, 2015. Collection method: clinical testing. Allele origin: unknown.

Counsyl
Classification: Uncertain significance for Bardet-Biedl syndrome 2. Last evaluated: 2017-05-09. Review status: no assertion criteria provided. Collection method: clinical testing. Allele origin: unknown. Not counted in ClinVar's aggregate classification.

Literature cited by the submitters: PubMed 12677556 (cited by Counsyl); PubMed 20498079 (cited by Counsyl).